The following is an entry in ClinVar:

NM_001173467.3(SP7):c.838C>T (p.Arg280Trp)

Gene: SP7 (Sp7 transcription factor; minus strand). Cytogenetic location: 12q13.13.
Variant type: single nucleotide variant.
Coding change: c.838C>T on transcript NM_001173467.3 (MANE Select); coding-DNA position 838, C replaced by T.
Protein change: p.Arg280Trp; replaces arginine 280 with tryptophan.
Molecular consequence: missense variant.
Genome position (GRCh38, 1-based): chr12:53,328,604, G>A on the plus strand (C>T on the coding strand, the complement: SP7 is on the minus strand). VCF-style: chr12-53328604-G-A. GRCh37 (hg19) VCF-style: chr12-53722388-G-A.
Other names: c.784C>T, p.Arg262Trp (NM_001300837.2); c.838C>T, p.Arg280Trp (NM_152860.2); short protein forms R280W, R262W.
Identifiers: ClinVar variation 1478502 (VCV001478502.7), dbSNP rs760112039, ClinGen allele CA6599516.

ClinVar aggregate classification (germline): Uncertain significance. Review status: criteria provided, multiple submitters, no conflicts (2 of 4 stars). 2 submissions from 2 submitters: Uncertain significance (2). Last evaluated 2024-11-19.

Allele frequency attached by ClinVar (database versions not stated): TOPMed below 0.00001; ExAC 0.00003; gnomAD exomes 0.00003.

Submissions (2):

Blueprint Genetics
Classification: Uncertain significance. Last evaluated: 2024-11-19. Review status: criteria provided, single submitter. Criteria: ACMG Guidelines, 2015. Collection method: clinical testing. Allele origin: germline.

Labcorp Genetics (formerly Invitae), Labcorp
Classification: Uncertain significance. Last evaluated: 2022-06-27. Review status: criteria provided, single submitter. Criteria: Invitae Variant Classification Sherloc (09022015). Collection method: clinical testing. Allele origin: germline.
Comment: This variant is present in population databases (rs760112039, gnomAD 0.01%). This variant has not been reported in the literature in individuals affected with SP7-related conditions. Algorithms developed to predict the effect of missense changes on protein structure and function (SIFT, PolyPhen-2, Align-GVGD) all suggest that this variant is likely to be disruptive. In summary, the available evidence is currently insufficient to determine the role of this variant in disease. Therefore, it has been classified as a Variant of Uncertain Significance. This sequence change replaces arginine, which is basic and polar, with tryptophan, which is neutral and slightly polar, at codon 280 of the SP7 protein (p.Arg280Trp).